The following is an entry in ClinVar:

ClinVar aggregate classification (germline): Uncertain significance (1 of 4 stars; one submission).

Allele frequency attached by ClinVar (database versions not stated): gnomAD exomes below 0.00001.
gnomAD v4.1: 1 of 1,614,218 alleles (0.000062%); highest among the groups gnomAD compares: Non-Finnish European, 0.000085%; no homozygotes.

Submission:

Labcorp Genetics (formerly Invitae), Labcorp
Classification: Uncertain significance. Last evaluated: 2024-09-30. Review status: criteria provided, single submitter. Criteria: Invitae Variant Classification Sherloc (09022015). Collection method: clinical testing. Allele origin: germline.
Comment: This sequence change replaces threonine, which is neutral and polar, with alanine, which is neutral and non-polar, at codon 1066 of the LRP2 protein (p.Thr1066Ala). This variant is present in population databases (no rsID available, gnomAD 0.0009%). This variant has not been reported in the literature in individuals affected with LRP2-related conditions. ClinVar contains an entry for this variant (Variation ID: 1951429). Invitae Evidence Modeling of protein sequence and biophysical properties (such as structural, functional, and spatial information, amino acid conservation, physicochemical variation, residue mobility, and thermodynamic stability) indicates that this missense variant is expected to disrupt LRP2 protein function with a positive predictive value of 95%. In summary, the available evidence is currently insufficient to determine the role of this variant in disease. Therefore, it has been classified as a Variant of Uncertain Significance.

NM_004525.3(LRP2):c.3196A>G (p.Thr1066Ala)

Gene: LRP2 (LDL receptor related protein 2; minus strand). Cytogenetic location: 2q31.1.
Variant type: single nucleotide variant.
Coding change: c.3196A>G on transcript NM_004525.3 (MANE Select); coding-DNA position 3196, A replaced by G.
Protein change: p.Thr1066Ala; replaces threonine 1066 with alanine.
Molecular consequence: missense variant.
Genome position (GRCh38, 1-based): chr2:169,244,927, T>C on the plus strand (A>G on the coding strand, the complement: LRP2 is on the minus strand). VCF-style: chr2-169244927-T-C. GRCh37 (hg19) VCF-style: chr2-170101437-T-C.
Other names: short protein forms T1066A.
Identifiers: ClinVar variation 1951429 (VCV001951429.5), dbSNP rs1241131950, ClinGen allele CA349152001.
Genomic context (GRCh38, chr2:169,244,927, plus strand): 5'-AGCGCCAGTGTGCAGGAATGCACTCCCCATGGCCACAGGTGAACGCCGAAGATGAACAGG[T>C]ATTATCTACAATAGTAACAAACTGGTCATGAAGACATTTGTTTTTACAGCCTTTTAAATG-3'
Protein context (NP_004516.2, residues 1056-1076): DEQLCGTLNN[Thr1066Ala]CSSSAFTCGH